The following is an entry in ClinVar:

NM_000180.4(GUCY2D):c.1356T>G (p.Asp452Glu)

Gene: GUCY2D (guanylate cyclase 2D, retinal; plus strand). Cytogenetic location: 17p13.1.
Variant type: single nucleotide variant.
Coding change: c.1356T>G on transcript NM_000180.4 (MANE Select); coding-DNA position 1356, T replaced by G.
Protein change: p.Asp452Glu; replaces aspartic acid 452 with glutamic acid.
Molecular consequence: missense variant.
Genome position (GRCh38, 1-based): chr17:8,006,692, T>G. VCF-style: chr17-8006692-T-G. GRCh37 (hg19) VCF-style: chr17-7910010-T-G.
Other names: short protein forms D452E.
Identifiers: ClinVar variation 2133079 (VCV002133079.4), dbSNP rs2545420588, ClinGen allele CA397948521.

ClinVar aggregate classification (germline): Uncertain significance (1 of 4 stars; one submission).

Conditions:
Leber congenital amaurosis 1 (LCA1). Also called: AMAUROSIS CONGENITA OF LEBER I; RETINAL BLINDNESS, CONGENITAL; Congenital absence of the rods and cones; Leber's congenital tapetoretinal degeneration; Leber's congenital tapetoretinal dysplasia. Identifiers: Orphanet 65, MedGen C2931258, MONDO:0008764, OMIM 204000.
Cone-rod dystrophy 6 (CORD6). Also called: RETINAL CONE DYSTROPHY 2; Cone dystrophy progressive. Identifiers: Orphanet 1872, MedGen C1866293, MONDO:0011143, OMIM 601777.

Allele frequency attached by ClinVar (database versions not stated): gnomAD exomes below 0.00001.
gnomAD v4.1: 1 of 1,609,452 alleles (0.000062%); highest among the groups gnomAD compares: Non-Finnish European, 0.000085%; no homozygotes.

Submission:

Labcorp Genetics (formerly Invitae), Labcorp
Classification: Uncertain significance for Leber congenital amaurosis 1; Cone-rod dystrophy 6. Last evaluated: 2022-05-03. Review status: criteria provided, single submitter. Criteria: Invitae Variant Classification Sherloc (09022015). Collection method: clinical testing. Allele origin: germline.
Comment: This sequence change replaces aspartic acid, which is acidic and polar, with glutamic acid, which is acidic and polar, at codon 452 of the GUCY2D protein (p.Asp452Glu). In summary, the available evidence is currently insufficient to determine the role of this variant in disease. Therefore, it has been classified as a Variant of Uncertain Significance. Algorithms developed to predict the effect of missense changes on protein structure and function output the following: SIFT: "Tolerated"; PolyPhen-2: "Benign"; Align-GVGD: "Class C0". The glutamic acid amino acid residue is found in multiple mammalian species, which suggests that this missense change does not adversely affect protein function. This variant has not been reported in the literature in individuals affected with GUCY2D-related conditions. This variant is not present in population databases (gnomAD no frequency).